The following is an entry in ClinVar:

NM_000268.4(NF2):c.1025A>C (p.Glu342Ala)

Gene: NF2 (NF2, moesin-ezrin-radixin like (MERLIN) tumor suppressor; plus strand). Cytogenetic location: 22q12.2.
Variant type: single nucleotide variant.
Coding change: c.1025A>C on transcript NM_000268.4 (MANE Select); coding-DNA position 1025, A replaced by C.
Protein change: p.Glu342Ala; replaces glutamic acid 342 with alanine.
Molecular consequence: missense variant. On other transcripts: intron variant (1).
Genome position (GRCh38, 1-based): chr22:29,671,851, A>C. VCF-style: chr22-29671851-A-C. GRCh37 (hg19) VCF-style: chr22-30067840-A-C.
Other names: c.911A>C, p.Glu304Ala (NM_001407053.1, NM_001407056.1); c.902A>C, p.Glu301Ala (NM_001407054.1, NM_001407058.1, NM_181829.3); c.899A>C, p.Glu300Ala (NM_001407055.1, NM_181828.3); c.890A>C, p.Glu297Ala (NM_001407057.1, NM_001407059.1); c.1025A>C, p.Glu342Ala (NM_001407060.1, NM_001407066.1, NM_016418.5 and 2 more transcripts); c.767A>C, p.Glu256Ala (NM_001407062.1); c.776A>C, p.Glu259Ala (NM_001407063.1, NM_001407064.1, NM_181830.3 and 1 more transcripts); c.491A>C, p.Glu164Ala (NM_001407065.1); and 2 more; short protein forms E164A, E256A, E265A, E342A, E304A, E259A, E297A, E300A.
Identifiers: ClinVar variation 2985057 (VCV002985057.4), dbSNP rs2147071802, ClinGen allele CA411146780.

ClinVar aggregate classification (germline): Uncertain significance. Review status: criteria provided, multiple submitters, no conflicts (2 of 4 stars). 2 submissions from 2 submitters: Uncertain significance (2). Last evaluated 2025-08-18.

Conditions:
Neurofibromatosis, type 2 (SWNV). Also called: NF2-Related Schwannomatosis; BILATERAL ACOUSTIC NEUROFIBROMATOSIS; SCHWANNOMATOSIS, VESTIBULAR. Identifiers: Orphanet 637, MedGen C0027832, MONDO:0007039, OMIM 101000. Disease mechanism: loss of function.

Submissions (2):

Labcorp Genetics (formerly Invitae), Labcorp
Classification: Uncertain significance for Neurofibromatosis, type 2. Last evaluated: 2025-08-18. Review status: criteria provided, single submitter. Criteria: Invitae Variant Classification Sherloc (09022015). Collection method: clinical testing. Allele origin: germline.
Comment: This sequence change replaces glutamic acid, which is acidic and polar, with alanine, which is neutral and non-polar, at codon 342 of the NF2 protein (p.Glu342Ala). This variant is not present in population databases (gnomAD no frequency). This variant has not been reported in the literature in individuals affected with NF2-related conditions. ClinVar contains an entry for this variant (Variation ID: 2985057). Invitae Evidence Modeling of protein sequence and biophysical properties (such as structural, functional, and spatial information, amino acid conservation, physicochemical variation, residue mobility, and thermodynamic stability) indicates that this missense variant is expected to disrupt NF2 protein function with a positive predictive value of 80%. In summary, the available evidence is currently insufficient to determine the role of this variant in disease. Therefore, it has been classified as a Variant of Uncertain Significance.

All of Us Research Program, National Institutes of Health
Classification: Uncertain significance for Neurofibromatosis, type 2. Last evaluated: 2024-05-14. Review status: criteria provided, single submitter. Criteria: ACMG Guidelines, 2015. Collection method: clinical testing. Allele origin: germline. Inheritance: Autosomal dominant inheritance. Observed: 1 variant allele, 1 heterozygote.
Comment: This missense variant replaces glutamic acid with alanine at codon 342 of the NF2 protein. Computational prediction suggests that this variant may have deleterious impact on protein structure and function (internally defined REVEL score threshold >= 0.7, PMID: 27666373). To our knowledge, functional studies have not been reported for this variant. This variant has not been reported in individuals affected with NF2-related disorders in the literature. This variant has not been identified in the general population by the Genome Aggregation Database (gnomAD). The available evidence is insufficient to determine the role of this variant in disease conclusively. Therefore, this variant is classified as a Variant of Uncertain Significance.

This study involves interpretation of variants in research participants for the purpose of population health screening. Participant phenotype was not available at the time of variant classification. Additional details can be found in publication PMID: 35346344, PMCID: PMC8962531